The following is an entry in ClinVar:

ClinVar aggregate classification (germline): Likely benign. Review status: criteria provided, multiple submitters, no conflicts (2 of 4 stars). 2 submissions from 2 submitters: Likely benign (2). Last evaluated 2026-08-17.

Conditions:
TTN-related disorder. Also called: TTN-related disorders; TTN-related condition; TTN-related disease.
Dilated cardiomyopathy 1G (CMD1G). Identifiers: Orphanet 154, MedGen C1858763, MONDO:0011400, OMIM 604145.
Autosomal recessive limb-girdle muscular dystrophy type 2J (LGMDR10). Also called: Limb-girdle muscular dystrophy, type 2J; MUSCULAR DYSTROPHY, LIMB-GIRDLE, AUTOSOMAL RECESSIVE 10. Identifiers: Orphanet 140922, MedGen C1837342, MONDO:0012127, OMIM 608807.

gnomAD v4.1: 3 of 1,611,664 alleles (0.00019%); no homozygotes.

Submissions (2):

PreventionGenetics, part of Exact Sciences
Classification: Likely benign for TTN-related condition. Last evaluated: 2026-08-17. Review status: criteria provided, single submitter. Criteria: ACMG Guidelines, 2015. Collection method: clinical testing. Allele origin: germline.
Comment: This variant is classified as likely benign based on ACMG/AMP sequence variant interpretation guidelines (Richards et al. 2015 PMID: 25741868, with internal and published modifications).

Labcorp Genetics (formerly Invitae), Labcorp
Classification: Likely benign for Dilated cardiomyopathy 1G; Autosomal recessive limb-girdle muscular dystrophy type 2J. Last evaluated: 2025-09-10. Review status: criteria provided, single submitter. Criteria: Invitae Variant Classification Sherloc (09022015). Collection method: clinical testing. Allele origin: germline.

NM_001267550.2(TTN):c.45082+8T>A

Genes: TTN (titin; minus strand), LOC126806427 (BRD4-independent group 4 enhancer GRCh37_chr2:179485777-179486976; plus strand). Cytogenetic location: 2q31.2.
Variant type: single nucleotide variant.
Coding change: c.45082+8T>A on transcript NM_001267550.2 (MANE Select); 8 bases into the intron after coding-DNA position 45082, T replaced by A.
Molecular consequence: intron variant.
Genome position (GRCh38, 1-based): chr2:178,621,832, A>T on the plus strand (T>A on the coding strand, the complement: TTN is on the minus strand). VCF-style: chr2-178621832-A-T. GRCh37 (hg19) VCF-style: chr2-179486559-A-T.
Other names: c.18463+8T>A (NM_133437.4); c.18262+8T>A (NM_133432.3); c.37378+8T>A (NM_133378.4); c.40159+8T>A (NM_001256850.1); c.17887+8T>A (NM_003319.4).
Identifiers: ClinVar variation 1153369 (VCV001153369.10), dbSNP rs2058334835, ClinGen allele CA1310552373.
Genomic context (GRCh38, chr2:178,621,832, plus strand): 5'-TGAGTTAAGCTGGAAATTATTATTTTTTCCCAACACATATACTTCACAAAGAATGACTTT[A>T]CTCTTACCCAGAACTGTCAGCATGCCAGAAGTTCTCGCTGTCCTTACTTCACAGGAATAT-3'